The following is an entry in ClinVar:

NM_001278716.2(FBXL4):c.874C>G (p.Leu292Val)

Gene: FBXL4 (F-box and leucine rich repeat protein 4; minus strand). Cytogenetic location: 6q16.2.
Variant type: single nucleotide variant.
Coding change: c.874C>G on transcript NM_001278716.2 (MANE Select); coding-DNA position 874, C replaced by G.
Protein change: p.Leu292Val; replaces leucine 292 with valine.
Molecular consequence: missense variant. On other transcripts: non-coding transcript variant (2).
Genome position (GRCh38, 1-based): chr6:98,905,655, G>C on the plus strand (C>G on the coding strand, the complement: FBXL4 is on the minus strand). VCF-style: chr6-98905655-G-C. GRCh37 (hg19) VCF-style: chr6-99353531-G-C.
Other names: c.874C>G, p.Leu292Val (NM_012160.5); short protein forms L292V.
Identifiers: ClinVar variation 437647 (VCV000437647.1), dbSNP rs766267288, ClinGen allele CA3933592.
Genomic context (GRCh38, chr6:98,905,655, plus strand): 5'-GGCTCAGTAGTTTGCAAGTCTGTGCTAATCTACACAGGTCTGGTAGTGTAAGATGATTCA[G>C]AATCAGCTGAATAAGCTAAATAAGACAGAGAAACCAAGATCATCAAGAGTGAAAAGCAGT-3'
Protein context (NP_001265645.1, residues 282-302): KLPYELIQLI[Leu292Val]NHLTLPDLCR

ClinVar aggregate classification (germline): Uncertain significance (1 of 4 stars; one submission).

Conditions:
Mitochondrial DNA depletion syndrome 13. Also called: FBXL4-Related Encephalomyopathic Mitochondrial DNA Depletion Syndrome; Mitochondrial DNA depletion syndrome 13 (encephalomyopathic type). Identifiers: Orphanet 369897, MedGen C3809592, MONDO:0014198, OMIM 615471.

Allele frequency attached by ClinVar (database versions not stated): gnomAD exomes below 0.00001 and 0.00001; gnomAD 0.00001; ExAC 0.00002.
gnomAD v4.1: 3 of 1,613,414 alleles (0.00019%); highest among the groups gnomAD compares: South Asian, 0.0011%; no homozygotes.

Submission:

Wong Mito Lab, Molecular and Human Genetics, Baylor College of Medicine
Classification: Uncertain significance for Mitochondrial DNA depletion syndrome 13. Last evaluated: 2017-08-10. Review status: criteria provided, single submitter. Criteria: ACMG Guidelines, 2015. Collection method: reference population. Allele origin: germline.
Comment: The NM_012160.4:c.874C>G (NP_036292.2:p.Leu292Val) [GRCH38: NC_000006.12:g.98905655G>C] variant in FBXL4 gene is interpretated to be a Uncertain Significance - Conflicting Evidence based on ACMG guidelines (PMID: 25741868). This variant meets one or more of the following evidence codes reported in the ACMG-guideline. PM2:This variant is absent in key population databases. BP4:Computational evidence/predictors indicate no impact on the FBXL4 structure, function, or protein-protein interaction. Based on this evidence code ClinGen Pathogenicity Calculator (PMID:28081714) suggested that the variant is Uncertain Significance - Conflicting Evidence.